The following is an entry in ClinVar:

ClinVar aggregate classification (germline): Uncertain significance. Review status: criteria provided, single submitter (1 of 4 stars). 2 submissions from 2 submitters: Uncertain significance (1). 1 of the submissions does not count toward it. Last evaluated 2021-08-30.

Conditions:
Ehlers-Danlos syndrome, dermatosparaxis type. Also called: Dermatosparaxis; Ehlers-Danlos syndrome, type VII, autosomal recessive; EDS VIIC. Identifiers: Orphanet 1901, MedGen C2700425, MONDO:0009161, OMIM 225410.

Allele frequency attached by ClinVar (database versions not stated): TOPMed below 0.00001; gnomAD 0.00001; gnomAD exomes 0.00001.

Submissions (2):

Labcorp Genetics (formerly Invitae), Labcorp
Classification: Uncertain significance for Ehlers-Danlos syndrome, dermatosparaxis type. Last evaluated: 2021-08-30. Review status: criteria provided, single submitter. Criteria: Invitae Variant Classification Sherloc (09022015). Collection method: clinical testing. Allele origin: germline.
Comment: This sequence change replaces methionine with isoleucine at codon 1202 of the ADAMTS2 protein (p.Met1202Ile). The methionine residue is moderately conserved and there is a small physicochemical difference between methionine and isoleucine. This variant is not present in population databases (ExAC no frequency). This variant has not been reported in the literature in individuals affected with ADAMTS2-related conditions. Algorithms developed to predict the effect of missense changes on protein structure and function output the following: SIFT: "Tolerated"; PolyPhen-2: "Benign"; Align-GVGD: "Class C0". The isoleucine amino acid residue is found in multiple mammalian species, which suggests that this missense change does not adversely affect protein function. In summary, the available evidence is currently insufficient to determine the role of this variant in disease. Therefore, it has been classified as a Variant of Uncertain Significance.

Natera, Inc.
Classification: Uncertain significance for Ehlers-Danlos syndrome type VIIC. Last evaluated: 2019-10-28. Review status: no assertion criteria provided. Collection method: clinical testing. Allele origin: germline. Not counted in ClinVar's aggregate classification.

NM_014244.5(ADAMTS2):c.3606G>A (p.Met1202Ile)

Gene: ADAMTS2 (ADAM metallopeptidase with thrombospondin type 1 motif 2; minus strand). Cytogenetic location: 5q35.3.
Variant type: single nucleotide variant.
Coding change: c.3606G>A on transcript NM_014244.5 (MANE Select); coding-DNA position 3606, G replaced by A.
Protein change: p.Met1202Ile; replaces methionine 1202 with isoleucine.
Molecular consequence: missense variant.
Genome position (GRCh38, 1-based): chr5:179,113,897, C>T on the plus strand (G>A on the coding strand, the complement: ADAMTS2 is on the minus strand). VCF-style: chr5-179113897-C-T. GRCh37 (hg19) VCF-style: chr5-178540898-C-T.
Other names: short protein forms M1202I.
Identifiers: ClinVar variation 578499 (VCV000578499.11), dbSNP rs1278681689, ClinGen allele CA362409888.